The following is an entry in ClinVar:

NM_178857.6(RP1L1):c.4692G>A (p.Val1564=)

Gene: RP1L1 (RP1 like 1). Cytogenetic location: 8p23.1.
Variant type: single nucleotide variant.
Coding change: c.4692G>A on transcript NM_178857.6 (MANE Select); coding-DNA position 4692, G replaced by A.
Protein change: p.Val1564=; no amino-acid change (valine 1564 retained).
Molecular consequence: synonymous variant.
Genome position (GRCh38, 1-based): chr8:10,609,406, C>T on the plus strand (G>A on the coding strand, the complement: RP1L1 is on the minus strand). VCF-style: chr8-10609406-C-T. GRCh37 (hg19) VCF-style: chr8-10466916-C-T.
Identifiers: ClinVar variation 2658389 (VCV002658389.25), dbSNP rs140493813, ClinGen allele CA4623921.

ClinVar aggregate classification (germline): Likely benign. Review status: criteria provided, multiple submitters, no conflicts (2 of 4 stars). 2 submissions from 2 submitters: Likely benign (2). Last evaluated 2024-08-28.

Allele frequency attached by ClinVar (database versions not stated): gnomAD exomes 0.00011; ExAC 0.00032; ESP Exome Variant Server 0.00064; gnomAD 0.00104; TOPMed 0.00109; 1000 Genomes Project 0.00140; 1000 Genomes Project 30x 0.00187.
gnomAD v4.1: 311 of 1,612,430 alleles (0.019%); highest among the groups gnomAD compares: African/African-American, 0.39%; 1 homozygote.

Submissions (2):

Blueprint Genetics
Classification: Likely benign. Last evaluated: 2024-08-28. Review status: criteria provided, single submitter. Criteria: ACMG Guidelines, 2015. Collection method: clinical testing. Allele origin: germline.

CeGaT Center for Human Genetics Tuebingen
Classification: Likely benign. Last evaluated: 2023-03-01. Review status: criteria provided, single submitter. Criteria: CeGaT Center For Human Genetics Tuebingen Variant Classification Criteria Version 2. Collection method: clinical testing. Allele origin: germline. Affected: yes. Observed: 1 variant allele.
Comment: RP1L1: BP4, BP7